The following is an entry in ClinVar:

NM_001036.6(RYR3):c.1303C>T (p.Pro435Ser)

Gene: RYR3 (ryanodine receptor 3; plus strand). Cytogenetic location: 15q14.
Variant type: single nucleotide variant.
Coding change: c.1303C>T on transcript NM_001036.6 (MANE Select); coding-DNA position 1303, C replaced by T.
Protein change: p.Pro435Ser; replaces proline 435 with serine.
Molecular consequence: missense variant.
Genome position (GRCh38, 1-based): chr15:33,580,010, C>T. VCF-style: chr15-33580010-C-T. GRCh37 (hg19) VCF-style: chr15-33872211-C-T.
Other names: c.1303C>T, p.Pro435Ser (NM_001243996.4); short protein forms P435S.
Identifiers: ClinVar variation 581979 (VCV000581979.1), dbSNP rs1567585393, ClinGen allele CA391568265.

ClinVar aggregate classification (germline): Uncertain significance (1 of 4 stars; one submission).

Conditions:
Epileptic encephalopathy. Identifiers: MedGen C0543888, HP:0200134.

Submission:

Labcorp Genetics (formerly Invitae), Labcorp
Classification: Uncertain significance for Epileptic encephalopathy. Last evaluated: 2018-05-15. Review status: criteria provided, single submitter. Criteria: Invitae Variant Classification Sherloc (09022015). Collection method: clinical testing. Allele origin: germline.
Comment: This sequence change replaces proline with serine at codon 435 of the RYR3 protein (p.Pro435Ser). The proline residue is moderately conserved and there is a moderate physicochemical difference between proline and serine. This variant is not present in population databases (ExAC no frequency). This variant has not been reported in the literature in individuals with RYR3-related disease. Algorithms developed to predict the effect of missense changes on protein structure and function (SIFT, PolyPhen-2, Align-GVGD) all suggest that this variant is likely to be tolerated, but these predictions have not been confirmed by published functional studies and their clinical significance is uncertain. In summary, the available evidence is currently insufficient to determine the role of this variant in disease. Therefore, it has been classified as a Variant of Uncertain Significance.